The following is an entry in ClinVar:

NM_006662.3(SRCAP):c.1583C>T (p.Ser528Phe)

Gene: SRCAP (Snf2 related CREBBP activator protein; plus strand). Cytogenetic location: 16p11.2.
Variant type: single nucleotide variant.
Coding change: c.1583C>T on transcript NM_006662.3 (MANE Select); coding-DNA position 1583, C replaced by T.
Protein change: p.Ser528Phe; replaces serine 528 with phenylalanine.
Molecular consequence: missense variant.
Genome position (GRCh38, 1-based): chr16:30,711,925, C>T. VCF-style: chr16-30711925-C-T. GRCh37 (hg19) VCF-style: chr16-30723246-C-T.
Other names: short protein forms S528F.
Identifiers: ClinVar variation 2428949 (VCV002428949.3), dbSNP rs779775628, ClinGen allele CA8011033.

ClinVar aggregate classification (germline): Uncertain significance (1 of 4 stars; one submission).

Allele frequency attached by ClinVar (database versions not stated): gnomAD exomes below 0.00001; ExAC 0.00001.
gnomAD v4.1: 2 of 1,613,832 alleles (0.00012%); highest among the groups gnomAD compares: Non-Finnish European, 0.00017%; no homozygotes.

Submission:

GeneDx
Classification: Uncertain significance. Last evaluated: 2022-08-06. Review status: criteria provided, single submitter. Criteria: GeneDx Variant Classification Process June 2021. Collection method: clinical testing. Allele origin: germline. Affected: yes.
Comment: In silico analysis supports that this missense variant has a deleterious effect on protein structure/function; Has not been previously published as pathogenic or benign to our knowledge